The following is an entry in ClinVar:

ClinVar aggregate classification (germline): Pathogenic. Review status: criteria provided, multiple submitters, no conflicts (2 of 4 stars). 2 submissions from 2 submitters: Pathogenic (2). Last evaluated 2025-04-14.

Conditions:
TCF12-related disorder. Also called: TCF12-related condition.

Submissions (2):

Dasa
Classification: Pathogenic. Last evaluated: 2025-04-14. Review status: criteria provided, single submitter. Criteria: DASA Assertion Criteria. Collection method: clinical testing. Allele origin: germline.
Comment: NM_207037.2(TCF12):c.1073C>G (p.Ser358*) introduces a premature termination codon predicted to result in loss of normal protein function. Loss-of-function is an established mechanism of disease for this gene. This variant has been reported in individuals with related phenotype (PMID: 23354436). The variant is present at low frequency in population datasets. Based on the available data, this variant is classified as pathogenic.

PreventionGenetics, part of Exact Sciences
Classification: Pathogenic for TCF12-related condition. Last evaluated: 2022-09-07. Review status: criteria provided, single submitter. Criteria: ACMG Guidelines, 2015. Collection method: clinical testing. Allele origin: germline.
Comment: The TCF12 c.1073C>G variant is predicted to result in premature protein termination (p.Ser358*). This variant has been previously reported in an individual with coronal craniosynostosis (Family 12, individual II-1 in Supplementary Tables 1 and 3, Sharma et al. 2013. PubMed ID: 23354436), and was maternally inherited with craniofacial features absent in the mother (Family 12, individual I-2 in Supplementary Table 3, Sharma et al. 2013. PubMed ID: 23354436). This variant has not been reported in a large population database, indicating this variant is rare. Nonsense variants in TCF12 are expected to be pathogenic. This variant is interpreted as pathogenic.

Literature cited by the submitters: PubMed 23354436 (cited by Dasa).

NM_207037.2(TCF12):c.1073C>G (p.Ser358Ter)

Gene: TCF12 (transcription factor 12; plus strand). Cytogenetic location: 15q21.3.
Variant type: single nucleotide variant.
Coding change: c.1073C>G on transcript NM_207037.2 (MANE Select); coding-DNA position 1073, C replaced by G.
Protein change: p.Ser358Ter; replaces serine 358 with a stop codon.
Molecular consequence: nonsense.
Genome position (GRCh38, 1-based): chr15:57,243,509, C>G. VCF-style: chr15-57243509-C-G. GRCh37 (hg19) VCF-style: chr15-57535707-C-G.
Other names: c.563C>G, p.Ser188Ter (NM_001306219.3, NM_207040.2); c.365C>G, p.Ser122Ter (NM_001306220.3); c.1073C>G, p.Ser358Ter (NM_001322151.2, NM_001322152.2, NM_001322157.3 and 7 more transcripts); c.416C>G, p.Ser139Ter (NM_001322154.2); c.899C>G, p.Ser300Ter (NM_001322156.2, NM_001322158.2); c.1109C>G, p.Ser370Ter (NM_001322164.2); short protein forms S122*, S139*, S188*, S300*, S358*, S370*.
Identifiers: ClinVar variation 2636319 (VCV002636319.2), dbSNP rs2551469699, ClinGen allele CA392594755.
Genomic context (GRCh38, chr15:57,243,509, plus strand): 5'-TATATTTCTTGTTTTCTGGTTAGATTTATTCTCCTGACCATACCAGCAGTAGTTTTCCGT[C>G]AAATCCATCAACACCAGTTGGATCACCTTCACCTCTCACAGGTAGGCTTCTGTTTTATCT-3'